The following is an entry in ClinVar:

ClinVar aggregate classification (germline): Pathogenic (1 of 4 stars; one submission).

Conditions:
Usher syndrome type 1F (USH1F). Also called: USHER SYNDROME, TYPE IF. Identifiers: Orphanet 231169, Orphanet 886, MedGen C1865885, MONDO:0011186, OMIM 602083.

Submission:

Myriad Genetics, Inc.
Classification: Pathogenic for Usher syndrome type 1F. Last evaluated: 2024-11-06. Review status: criteria provided, single submitter. Criteria: Myriad Autosomal Dominant, Autosomal Recessive and X-Linked Classification Criteria (2023). Collection method: clinical testing. Allele origin: unknown.
Comment: NM_033056.3(PCDH15):c.2780delG(S927Ifs*37) is expected to be pathogenic in the context of PCDH15-related disorders. This variant is predicted to lead to an abnormal or absent protein product due to the creation of a premature termination codon in PCDH15, a gene where loss-of-function variants are known to be pathogenic. Please note: this variant was assessed in the context of healthy population screening.

NM_001384140.1(PCDH15):c.2780del (p.Ser927fs)

Gene: PCDH15 (protocadherin related 15; minus strand). Cytogenetic location: 10q21.1.
Variant type: Deletion.
Coding change: c.2780del on transcript NM_001384140.1 (MANE Select); coding-DNA position 2780, one base deleted (G; older notation c.2780delG).
Protein change: p.Ser927fs; shifts the reading frame from serine 927.
Molecular consequence: frameshift variant.
Genome position (GRCh38, 1-based): chr10:53,995,737, C deleted on the plus strand (G on the coding strand, the reverse complement: PCDH15 is on the minus strand). VCF-style (leftmost placement, unchanged base first): chr10-53995736-AC-A. GRCh37 (hg19) VCF-style: chr10-55755496-AC-A.
Other names: c.2795del, p.Ser932fs (NM_001142763.2, NM_001142771.2); c.2780del, p.Ser927fs (NM_001142764.2, NM_001142766.2, NM_001142770.3 and 5 more transcripts); c.2567del, p.Ser856fs (NM_001142765.2); c.2669del, p.Ser890fs (NM_001142767.2); c.2714del, p.Ser905fs (NM_001142768.2, NM_001142773.2, NM_001354404.2); c.2816delG, p.Ser939Ilefs (NM_001142769.4); c.2801del, p.Ser934fs (NM_001354411.2); short protein forms S856fs, S890fs, S905fs, S927fs, S932fs, S934fs, S939fs.
Identifiers: ClinVar variation 5013716 (VCV005013716.1).
Genomic context (GRCh38, chr10:53,995,736, plus strand): 5'-TGTTGTGATAGGTGTACCCTTGACTGCATCCGGAGCCACCATCCCTTTGTATATTCGTTT[AC>A]TAAAGACAGGAGGATAATCATTCATATCCTGTAAAACACAATTAGGAGTTTAGTACTTCA-3'